The following is an entry in ClinVar:

ClinVar aggregate classification (germline): Uncertain significance. Review status: criteria provided, multiple submitters, no conflicts (2 of 4 stars). 2 submissions from 2 submitters: Uncertain significance (2). Last evaluated 2024-02-05.

Conditions:
Tuberous sclerosis syndrome (TSC). Also called: Tuberous Sclerosis Complex; Tuberous sclerosis. Identifiers: Orphanet 805, MedGen C0041341, MONDO:0001734.
Tuberous sclerosis 2 (TSC2). Identifiers: Orphanet 805, MedGen C1860707, MONDO:0013199, OMIM 613254.

Submissions (2):

All of Us Research Program, National Institutes of Health
Classification: Uncertain significance for Tuberous sclerosis syndrome. Last evaluated: 2024-02-05. Review status: criteria provided, single submitter. Criteria: ACMG Guidelines, 2015. Collection method: clinical testing. Allele origin: germline. Inheritance: Autosomal dominant inheritance. Observed: 1 variant allele, 1 heterozygote.
Comment: This missense variant replaces valine with leucine at codon 1372 of the TSC2 protein. Computational prediction suggests that this variant may not impact protein structure and function (internally defined REVEL score threshold <= 0.5, PMID: 27666373). To our knowledge, functional studies have not been reported for this variant. This variant has not been reported in individuals affected with TSC2-related disorders in the literature. This variant has not been identified in the general population by the Genome Aggregation Database (gnomAD). The available evidence is insufficient to determine the role of this variant in disease conclusively. Therefore, this variant is classified as a Variant of Uncertain Significance.

This study involves interpretation of variants in research participants for the purpose of population health screening. Participant phenotype was not available at the time of variant classification. Additional details can be found in publication PMID: 35346344, PMCID: PMC8962531

Labcorp Genetics (formerly Invitae), Labcorp
Classification: Uncertain significance for Tuberous sclerosis 2. Last evaluated: 2022-04-24. Review status: criteria provided, single submitter. Criteria: Invitae Variant Classification Sherloc (09022015). Collection method: clinical testing. Allele origin: germline.
Comment: In summary, the available evidence is currently insufficient to determine the role of this variant in disease. Therefore, it has been classified as a Variant of Uncertain Significance. Advanced modeling of protein sequence and biophysical properties (such as structural, functional, and spatial information, amino acid conservation, physicochemical variation, residue mobility, and thermodynamic stability) performed at Invitae indicates that this missense variant is not expected to disrupt TSC2 protein function. This variant has not been reported in the literature in individuals affected with TSC2-related conditions. This variant is not present in population databases (gnomAD no frequency). This sequence change replaces valine, which is neutral and non-polar, with leucine, which is neutral and non-polar, at codon 1372 of the TSC2 protein (p.Val1372Leu).

NM_000548.5(TSC2):c.4114G>T (p.Val1372Leu)

Gene: TSC2 (TSC complex subunit 2; plus strand). Cytogenetic location: 16p13.3.
Variant type: single nucleotide variant.
Coding change: c.4114G>T on transcript NM_000548.5 (MANE Select); coding-DNA position 4114, G replaced by T.
Protein change: p.Val1372Leu; replaces valine 1372 with leucine.
Molecular consequence: missense variant.
Genome position (GRCh38, 1-based): chr16:2,084,336, G>T. VCF-style: chr16-2084336-G-T. GRCh37 (hg19) VCF-style: chr16-2134337-G-T.
Other names: c.3913G>T, p.Val1305Leu (NM_001077183.3); c.4045G>T, p.Val1349Leu (NM_001114382.3); c.3805G>T, p.Val1269Leu (NM_001318827.2); c.3769G>T, p.Val1257Leu (NM_001318829.2); c.3382G>T, p.Val1128Leu (NM_001318831.2); c.3946G>T, p.Val1316Leu (NM_001318832.2); c.3916G>T, p.Val1306Leu (NM_001363528.2); c.3982G>T, p.Val1328Leu (NM_001370404.1); and 26 more; short protein forms V1256L, V1299L, V1302L, V1316L, V1346L, V1348L, V857L, V1268L.
Identifiers: ClinVar variation 2130128 (VCV002130128.5), dbSNP rs2090494113, ClinGen allele CA394299528.